The following is an entry in ClinVar:

NM_001394998.1(TANC2):c.3078G>C (p.Gln1026His)

Genes: TANC2 (tetratricopeptide repeat, ankyrin repeat and coiled-coil containing 2; plus strand), LOC105371856 (uncharacterized LOC105371856; minus strand). Cytogenetic location: 17q23.3.
Variant type: single nucleotide variant.
Coding change: c.3078G>C on transcript NM_001394998.1 (MANE Select); coding-DNA position 3078, G replaced by C.
Protein change: p.Gln1026His; replaces glutamine 1026 with histidine.
Molecular consequence: missense variant.
Genome position (GRCh38, 1-based): chr17:63,395,769, G>C. VCF-style: chr17-63395769-G-C. GRCh37 (hg19) VCF-style: chr17-61473130-G-C.
Other names: c.2856G>C, p.Gln952His (NM_001411076.1, NM_025185.4); short protein forms Q1026H, Q952H.
Identifiers: ClinVar variation 4823007 (VCV004823007.4).

ClinVar aggregate classification (germline): Likely benign (1 of 4 stars; one submission).

Submission:

CeGaT Center for Human Genetics Tuebingen
Classification: Likely benign. Last evaluated: 2026-01-01. Review status: criteria provided, single submitter. Criteria: CeGaT Center For Human Genetics Tuebingen Variant Classification Criteria Version 2. Collection method: clinical testing. Allele origin: germline. Affected: yes. Observed: 1 variant allele.
Comment: TANC2: BP1